The following is an entry in ClinVar:

ClinVar aggregate classification (germline): Uncertain significance (1 of 4 stars; one submission).

Allele frequency attached by ClinVar (database versions not stated): gnomAD exomes below 0.00001.
gnomAD v4.1: 1 of 1,614,072 alleles (0.000062%); highest among the groups gnomAD compares: Non-Finnish European, 0.000085%; no homozygotes.

Submission:

Labcorp Genetics (formerly Invitae), Labcorp
Classification: Uncertain significance. Last evaluated: 2024-07-08. Review status: criteria provided, single submitter. Criteria: Invitae Variant Classification Sherloc (09022015). Collection method: clinical testing. Allele origin: germline.
Comment: This sequence change affects codon 962 of the HYOU1 mRNA. It is a 'silent' change, meaning that it does not change the encoded amino acid sequence of the HYOU1 protein. It affects a nucleotide within the consensus splice site. This variant is not present in population databases (gnomAD no frequency). This variant has not been reported in the literature in individuals affected with HYOU1-related conditions. ClinVar contains an entry for this variant (Variation ID: 1367764). Algorithms developed to predict the effect of sequence changes on RNA splicing suggest that this variant is not likely to affect RNA splicing. In summary, the available evidence is currently insufficient to determine the role of this variant in disease. Therefore, it has been classified as a Variant of Uncertain Significance.

NM_006389.5(HYOU1):c.2886T>C (p.Thr962=)

Gene: HYOU1 (hypoxia up-regulated 1; minus strand). Cytogenetic location: 11q23.3.
Variant type: single nucleotide variant.
Coding change: c.2886T>C on transcript NM_006389.5 (MANE Select); coding-DNA position 2886, T replaced by C.
Protein change: p.Thr962=; no amino-acid change (threonine 962 retained).
Molecular consequence: synonymous variant.
Genome position (GRCh38, 1-based): chr11:119,046,418, A>G on the plus strand (T>C on the coding strand, the complement: HYOU1 is on the minus strand). VCF-style: chr11-119046418-A-G. GRCh37 (hg19) VCF-style: chr11-118917130-A-G.
Other names: c.2886T>C, p.Thr962= (NM_001130991.3).
Identifiers: ClinVar variation 1367764 (VCV001367764.8), dbSNP rs2134676721, ClinGen allele CA2573146966.